The following is an entry in ClinVar:

ClinVar aggregate classification (germline): Uncertain significance (1 of 4 stars; one submission).

Allele frequency attached by ClinVar (database versions not stated): gnomAD exomes below 0.00001.
gnomAD v4.1: 1 of 1,530,788 alleles (0.000065%); highest among the groups gnomAD compares: East Asian, 0.0024%; no homozygotes.

Submission:

Ambry Genetics
Classification: Uncertain significance. Last evaluated: 2022-05-25. Review status: criteria provided, single submitter. Criteria: Ambry Variant Classification Scheme 2023. Collection method: clinical testing. Allele origin: germline.
Comment: The p.E878A variant (also known as c.2633A>C), located in coding exon 24 of the PRKDC gene, results from an A to C substitution at nucleotide position 2633. The glutamic acid at codon 878 is replaced by alanine, an amino acid with dissimilar properties. This amino acid position is conserved. In addition, this alteration is predicted to be tolerated by in silico analysis. Since supporting evidence is limited at this time, the clinical significance of this alteration remains unclear.

NM_006904.7(PRKDC):c.2633A>C (p.Glu878Ala)

Gene: PRKDC (protein kinase, DNA-activated, catalytic subunit; minus strand). Cytogenetic location: 8q11.21.
Variant type: single nucleotide variant.
Coding change: c.2633A>C on transcript NM_006904.7 (MANE Select); coding-DNA position 2633, A replaced by C.
Protein change: p.Glu878Ala; replaces glutamic acid 878 with alanine.
Molecular consequence: missense variant.
Genome position (GRCh38, 1-based): chr8:47,914,049, T>G on the plus strand (A>C on the coding strand, the complement: PRKDC is on the minus strand). VCF-style: chr8-47914049-T-G. GRCh37 (hg19) VCF-style: chr8-48826609-T-G.
Other names: c.2633A>C, p.Glu878Ala (NM_001081640.2); short protein forms E878A.
Identifiers: ClinVar variation 1794081 (VCV001794081.2), dbSNP rs2551876894, ClinGen allele CA371159603.